The following is an entry in ClinVar:

ClinVar aggregate classification (germline): Pathogenic (1 of 4 stars; one submission).

Allele frequency attached by ClinVar (database versions not stated): gnomAD exomes below 0.00001.

Submission:

Labcorp Genetics (formerly Invitae), Labcorp
Classification: Pathogenic. Last evaluated: 2022-07-10. Review status: criteria provided, single submitter. Criteria: Invitae Variant Classification Sherloc (09022015). Collection method: clinical testing. Allele origin: germline.
Comment: For these reasons, this variant has been classified as Pathogenic. This variant has not been reported in the literature in individuals affected with CYP17A1-related conditions. This variant is present in population databases (no rsID available, gnomAD 0.003%). This sequence change creates a premature translational stop signal (p.Asp212Glufs*6) in the CYP17A1 gene. It is expected to result in an absent or disrupted protein product. Loss-of-function variants in CYP17A1 are known to be pathogenic (PMID: 17192295, 20197673, 24140098).

Literature cited by the submitters: PubMed 17192295; PubMed 20197673; PubMed 24140098.

NM_000102.4(CYP17A1):c.636del (p.Asp212fs)

Gene: CYP17A1 (cytochrome P450 family 17 subfamily A member 1; minus strand). Cytogenetic location: 10q24.32.
Variant type: Deletion.
Coding change: c.636del on transcript NM_000102.4 (MANE Select); coding-DNA position 636, one base deleted (C; older notation c.636delC).
Protein change: p.Asp212fs; shifts the reading frame from aspartic acid 212.
Molecular consequence: frameshift variant.
Genome position (GRCh38, 1-based): chr10:102,834,815, G deleted on the plus strand (C on the coding strand, the reverse complement: CYP17A1 is on the minus strand). VCF-style (leftmost placement, unchanged base first): chr10-102834814-TG-T. GRCh37 (hg19) VCF-style: chr10-104594571-TG-T.
Other names: short protein forms D212fs.
Identifiers: ClinVar variation 2001996 (VCV002001996.4), dbSNP rs1341249433, ClinGen allele CA595636754.